The following is an entry in ClinVar:

NM_004736.4(XPR1):c.1072T>C (p.Phe358Leu)

Gene: XPR1 (xenotropic and polytropic retrovirus receptor 1; plus strand). Cytogenetic location: 1q25.3.
Variant type: single nucleotide variant.
Coding change: c.1072T>C on transcript NM_004736.4 (MANE Select); coding-DNA position 1072, T replaced by C.
Protein change: p.Phe358Leu; replaces phenylalanine 358 with leucine.
Molecular consequence: missense variant. On other transcripts: non-coding transcript variant (1).
Genome position (GRCh38, 1-based): chr1:180,825,282, T>C. VCF-style: chr1-180825282-T-C. GRCh37 (hg19) VCF-style: chr1-180794418-T-C.
Other names: c.1072T>C, p.Phe358Leu (NM_001135669.2, NM_001328662.2); short protein forms F358L.
Identifiers: ClinVar variation 1306702 (VCV001306702.7), dbSNP rs561801668, ClinGen allele CA1272679.

ClinVar aggregate classification (germline): Uncertain significance. Review status: criteria provided, multiple submitters, no conflicts (2 of 4 stars). 2 submissions from 2 submitters: Uncertain significance (2). Last evaluated 2026-01-21.

Allele frequency attached by ClinVar (database versions not stated): gnomAD exomes 0.00004 and 0.00006; ExAC 0.00005; gnomAD 0.00006 and 0.00007; TOPMed 0.00006; 1000 Genomes Project 0.00020; 1000 Genomes Project 30x 0.00031.
gnomAD v4.1: 64 of 1,614,122 alleles (0.004%); highest among the groups gnomAD compares: Admixed American, 0.015%; no homozygotes.

Submissions (2):

Labcorp Genetics (formerly Invitae), Labcorp
Classification: Uncertain significance. Last evaluated: 2026-01-21. Review status: criteria provided, single submitter. Criteria: Invitae Variant Classification Sherloc (09022015). Collection method: clinical testing. Allele origin: germline.
Comment: This sequence change replaces phenylalanine, which is neutral and non-polar, with leucine, which is neutral and non-polar, at codon 358 of the XPR1 protein (p.Phe358Leu). This variant is present in population databases (rs561801668, gnomAD 0.02%). This variant has not been reported in the literature in individuals affected with XPR1-related conditions. ClinVar contains an entry for this variant (Variation ID: 1306702). Invitae Evidence Modeling of protein sequence and biophysical properties (such as structural, functional, and spatial information, amino acid conservation, physicochemical variation, residue mobility, and thermodynamic stability) indicates that this missense variant is not expected to disrupt XPR1 protein function with a negative predictive value of 80%. In summary, the available evidence is currently insufficient to determine the role of this variant in disease. Therefore, it has been classified as a Variant of Uncertain Significance.

GeneDx
Classification: Uncertain significance. Last evaluated: 2019-07-09. Review status: criteria provided, single submitter. Criteria: GeneDx Variant Classification Process June 2021. Collection method: clinical testing. Allele origin: germline. Affected: yes.
Comment: In silico analysis, which includes protein predictors and evolutionary conservation, supports a deleterious effect; Has not been previously published as pathogenic or benign to our knowledge